The following is an entry in ClinVar:

ClinVar aggregate classification (germline): Uncertain significance (1 of 4 stars; one submission).

Submission:

Ambry Genetics
Classification: Uncertain significance. Last evaluated: 2021-12-11. Review status: criteria provided, single submitter. Criteria: Ambry Variant Classification Scheme 2023. Collection method: clinical testing. Allele origin: germline.
Comment: The p.Y274D variant (also known as c.820T>G), located in coding exon 1 of the EGLN2 gene, results from a T to G substitution at nucleotide position 820. The tyrosine at codon 274 is replaced by aspartic acid, an amino acid with highly dissimilar properties. This amino acid position is conserved. In addition, this alteration is predicted to be deleterious by in silico analysis. Since supporting evidence is limited at this time, the clinical significance of this alteration remains unclear.

NM_080732.4(EGLN2):c.820T>G (p.Tyr274Asp)

Genes: EGLN2 (egl-9 family hypoxia inducible factor 2; plus strand), RAB4B-EGLN2 (RAB4B-EGLN2 readthrough (NMD candidate); plus strand). Cytogenetic location: 19q13.2.
Variant type: single nucleotide variant.
Coding change: c.820T>G on transcript NM_080732.4 (MANE Select); coding-DNA position 820, T replaced by G.
Protein change: p.Tyr274Asp; replaces tyrosine 274 with aspartic acid.
Molecular consequence: missense variant. On other transcripts: non-coding transcript variant (1).
Genome position (GRCh38, 1-based): chr19:40,801,392, T>G. VCF-style: chr19-40801392-T-G. GRCh37 (hg19) VCF-style: chr19-41307297-T-G.
Other names: c.820T>G, p.Tyr274Asp (NM_053046.4); short protein forms Y274D.
Identifiers: ClinVar variation 1762475 (VCV001762475.2), dbSNP rs2515995781, ClinGen allele CA405956040.